The following is an entry in ClinVar:

ClinVar aggregate classification (germline): Pathogenic (1 of 4 stars; one submission).

Conditions:
Cholestanol storage disease (CTX). Also called: Cerebrotendinous Xanthomatosis; CEREBRAL CHOLESTERINOSIS; CTX: Cerebrotendinous xanthomatosis. Identifiers: Orphanet 909, MedGen C0238052, MONDO:0008948, OMIM 213700.

Submission:

Labcorp Genetics (formerly Invitae), Labcorp
Classification: Pathogenic for Cholestanol storage disease. Last evaluated: 2025-12-22. Review status: criteria provided, single submitter. Criteria: Invitae Variant Classification Sherloc (09022015). Collection method: clinical testing. Allele origin: germline.
Comment: This sequence change creates a premature translational stop signal (p.Cys218*) in the CYP27A1 gene. It is expected to result in an absent or disrupted protein product. Loss-of-function variants in CYP27A1 are known to be pathogenic (PMID: 9392430, 10775536, 26937392). This variant is not present in population databases (gnomAD no frequency). This variant has not been reported in the literature in individuals affected with CYP27A1-related conditions. For these reasons, this variant has been classified as Pathogenic.

Literature cited by the submitters: PubMed 9392430; PubMed 10775536; PubMed 26937392.

NM_000784.4(CYP27A1):c.654C>A (p.Cys218Ter)

Gene: CYP27A1 (cytochrome P450 family 27 subfamily A member 1; plus strand). Cytogenetic location: 2q35.
Variant type: single nucleotide variant.
Coding change: c.654C>A on transcript NM_000784.4 (MANE Select); coding-DNA position 654, C replaced by A.
Protein change: p.Cys218Ter; replaces cysteine 218 with a stop codon.
Molecular consequence: nonsense.
Genome position (GRCh38, 1-based): chr2:218,812,559, C>A. VCF-style: chr2-218812559-C-A. GRCh37 (hg19) VCF-style: chr2-219677282-C-A.
Other names: short protein forms C218*.
Identifiers: ClinVar variation 4733840 (VCV004733840.1).